The following is an entry in ClinVar:

ClinVar aggregate classification (germline): Uncertain significance (1 of 4 stars; one submission).

Submission:

GeneDx
Classification: Uncertain significance. Last evaluated: 2020-12-15. Review status: criteria provided, single submitter. Criteria: GeneDx Variant Classification Process June 2021. Collection method: clinical testing. Allele origin: germline. Affected: yes.
Comment: Not observed in large population cohorts (Lek et al., 2016); In silico analysis supports that this missense variant has a deleterious effect on protein structure/function; Has not been previously published as pathogenic or benign to our knowledge

NM_020988.3(GNAO1):c.158T>A (p.Met53Lys)

Gene: GNAO1 (G protein subunit alpha o1; plus strand). Cytogenetic location: 16q13.
Variant type: single nucleotide variant.
Coding change: c.158T>A on transcript NM_020988.3 (MANE Select); coding-DNA position 158, T replaced by A.
Protein change: p.Met53Lys; replaces methionine 53 with lysine.
Molecular consequence: missense variant.
Genome position (GRCh38, 1-based): chr16:56,192,613, T>A. VCF-style: chr16-56192613-T-A. GRCh37 (hg19) VCF-style: chr16-56226525-T-A.
Other names: c.158T>A, p.Met53Lys (NM_138736.3); short protein forms M53K.
Identifiers: ClinVar variation 1187380 (VCV001187380.2), dbSNP rs2143272295, ClinGen allele CA396128653.